The following is an entry in ClinVar:

NM_020937.4(FANCM):c.2565A>T (p.Lys855Asn)

Gene: FANCM (FA complementation group M; plus strand). Cytogenetic location: 14q21.2.
Variant type: single nucleotide variant.
Coding change: c.2565A>T on transcript NM_020937.4 (MANE Select); coding-DNA position 2565, A replaced by T.
Protein change: p.Lys855Asn; replaces lysine 855 with asparagine.
Molecular consequence: missense variant.
Genome position (GRCh38, 1-based): chr14:45,175,319, A>T. VCF-style: chr14-45175319-A-T. GRCh37 (hg19) VCF-style: chr14-45644522-A-T.
Other names: c.2487A>T, p.Lys829Asn (NM_001308133.2); short protein forms K829N, K855N.
Identifiers: ClinVar variation 3848631 (VCV003848631.1).

ClinVar aggregate classification (germline): Uncertain significance (1 of 4 stars; one submission).

Conditions:
Inborn genetic diseases. Identifiers: MedGen C0950123, MeSH D030342.

Submission:

Ambry Genetics
Classification: Uncertain significance for Inborn genetic diseases. Last evaluated: 2025-01-15. Review status: criteria provided, single submitter. Criteria: Ambry Variant Classification Scheme 2023. Collection method: clinical testing. Allele origin: germline.
Comment: The p.K855N variant (also known as c.2565A>T), located in coding exon 14 of the FANCM gene, results from an A to T substitution at nucleotide position 2565. The lysine at codon 855 is replaced by asparagine, an amino acid with similar properties. This amino acid position is conserved. In addition, this alteration is predicted to be tolerated by in silico analysis. Based on the available evidence, the clinical significance of this variant remains unclear.